The following is an entry in ClinVar:

NM_000535.7(PMS2):c.2493C>G (p.Ile831Met)

Gene: PMS2 (PMS1 homolog 2, mismatch repair system component; minus strand). Cytogenetic location: 7p22.1.
Variant type: single nucleotide variant.
Coding change: c.2493C>G on transcript NM_000535.7 (MANE Select); coding-DNA position 2493, C replaced by G.
Protein change: p.Ile831Met; replaces isoleucine 831 with methionine.
Molecular consequence: missense variant. On other transcripts: non-coding transcript variant (1).
Genome position (GRCh38, 1-based): chr7:5,973,495, G>C on the plus strand (C>G on the coding strand, the complement: PMS2 is on the minus strand). VCF-style: chr7-5973495-G-C. GRCh37 (hg19) VCF-style: chr7-6013126-G-C.
Other names: c.2217C>G, p.Ile739Met (NM_001406875.1); c.2208C>G, p.Ile736Met (NM_001406876.1); c.2184C>G, p.Ile728Met (NM_001406877.1, NM_001406878.1, NM_001406879.1 and 4 more transcripts); c.2175C>G, p.Ile725Met (NM_001406883.1, NM_001322007.2, NM_001322008.2); c.2169C>G, p.Ile723Met (NM_001406884.1); c.2088C>G, p.Ile696Met (NM_001406894.1, NM_001406895.1, NM_001406896.1 and 11 more transcripts); c.2028C>G, p.Ile676Met (NM_001406900.1); c.2019C>G, p.Ile673Met (NM_001406901.1, NM_001406902.1); and 20 more; short protein forms I640M, I676M, I728M, I739M, I779M, I790M, I520M, I660M.
Identifiers: ClinVar variation 4140495 (VCV004140495.1).

ClinVar aggregate classification (germline): Uncertain significance (1 of 4 stars; one submission).

Conditions:
Hereditary cancer-predisposing syndrome. Also called: Hereditary neoplastic syndrome; Neoplastic Syndromes, Hereditary; Tumor predisposition; Hereditary Cancer Syndrome. Identifiers: Orphanet 140162, MedGen C0027672, MeSH D009386, MONDO:0015356.

Submission:

Ambry Genetics
Classification: Uncertain significance for Hereditary cancer-predisposing syndrome. Last evaluated: 2025-06-23. Review status: criteria provided, single submitter. Criteria: Ambry Variant Classification Scheme 2023. Collection method: clinical testing. Allele origin: germline.
Comment: The p.I831M variant (also known as c.2493C>G), located in coding exon 15 of the PMS2 gene, results from a C to G substitution at nucleotide position 2493. The isoleucine at codon 831 is replaced by methionine, an amino acid with highly similar properties. This amino acid position is conserved. In addition, the in silico prediction for this alteration is inconclusive. Based on the available evidence, the clinical significance of this variant remains unclear.